The following is an entry in ClinVar:

NM_002878.4(RAD51D):c.64A>G (p.Ser22Gly)

Genes: RAD51L3-RFFL (RAD51L3-RFFL readthrough; minus strand), RAD51D (RAD51 paralog D; minus strand). Cytogenetic location: 17q12.
Variant type: single nucleotide variant.
Coding change: c.64A>G on transcript NM_002878.4 (MANE Select); coding-DNA position 64, A replaced by G.
Protein change: p.Ser22Gly; replaces serine 22 with glycine.
Molecular consequence: missense variant. On other transcripts: non-coding transcript variant (2).
Genome position (GRCh38, 1-based): chr17:35,119,550, T>C on the plus strand (A>G on the coding strand, the complement: RAD51D is on the minus strand). VCF-style: chr17-35119550-T-C. GRCh37 (hg19) VCF-style: chr17-33446569-T-C.
Other names: c.64A>G, p.Ser22Gly (NM_001142571.2, NM_133629.3); short protein forms S22G.
Identifiers: ClinVar variation 3657233 (VCV003657233.3).

ClinVar aggregate classification (germline): Uncertain significance. Review status: criteria provided, multiple submitters, no conflicts (2 of 4 stars). 2 submissions from 2 submitters: Uncertain significance (2). Last evaluated 2025-10-29.

Conditions:
Breast-ovarian cancer, familial, susceptibility to, 4. Identifiers: Orphanet 145, MedGen C3280345, MONDO:0013669, OMIM 614291.

gnomAD v4.1: 3 of 1,612,468 alleles (0.00019%); highest among the groups gnomAD compares: South Asian, 0.0022%; no homozygotes.

Submissions (2):

Quest Diagnostics Nichols Institute San Juan Capistrano
Classification: Uncertain significance. Last evaluated: 2025-10-29. Review status: criteria provided, single submitter. Criteria: Quest Diagnostics criteria. Collection method: clinical testing. Allele origin: unknown.
Comment: The RAD51D c.64A>G (p.Ser22Gly) variant has not been reported in individuals with RAD51D-related conditions in the published literature. The frequency of this variant in the general population (Genome Aggregation Database) is uninformative in the assessment of its pathogenicity. Analysis of this variant using bioinformatics tools for the prediction of the effect of amino acid changes on protein structure and function yielded predictions that this variant is benign. Based on the available information, we are unable to determine the clinical significance of this variant.

Labcorp Genetics (formerly Invitae), Labcorp
Classification: Uncertain significance for Breast-ovarian cancer, familial, susceptibility to, 4. Last evaluated: 2024-06-21. Review status: criteria provided, single submitter. Criteria: Invitae Variant Classification Sherloc (09022015). Collection method: clinical testing. Allele origin: germline.
Comment: This sequence change replaces serine, which is neutral and polar, with glycine, which is neutral and non-polar, at codon 22 of the RAD51D protein (p.Ser22Gly). This variant is not present in population databases (gnomAD no frequency). This variant has not been reported in the literature in individuals affected with RAD51D-related conditions. An algorithm developed to predict the effect of missense changes on protein structure and function (PolyPhen-2) suggests that this variant is likely to be tolerated. In summary, the available evidence is currently insufficient to determine the role of this variant in disease. Therefore, it has been classified as a Variant of Uncertain Significance.